The following is an entry in ClinVar:

NM_004836.7(EIF2AK3):c.1578dup (p.Ala527fs)

Gene: EIF2AK3 (eukaryotic translation initiation factor 2 alpha kinase 3; minus strand). Cytogenetic location: 2p11.2.
Variant type: Duplication.
Coding change: c.1578dup on transcript NM_004836.7 (MANE Select); coding-DNA position 1578, one base duplicated (T; older notation c.1578dupT).
Protein change: p.Ala527fs; shifts the reading frame from alanine 527.
Molecular consequence: frameshift variant.
Genome position (GRCh38, 1-based): chr2:88,585,913, A duplicated on the plus strand (T on the coding strand, the reverse complement: EIF2AK3 is on the minus strand); the first of 2 consecutive A bases (chr2:88,585,913-88,585,914); duplicating either gives the same sequence. VCF-style (leftmost placement, unchanged base first): chr2-88585912-C-CA. GRCh37 (hg19) VCF-style: chr2-88885430-C-CA.
Other names: c.1125dup, p.Ala376fs (NM_001313915.2); short protein forms A376fs, A527fs.
Identifiers: ClinVar variation 2675013 (VCV002675013.4), dbSNP rs763113675, ClinGen allele CA1754670.

ClinVar aggregate classification (germline): Pathogenic/Likely pathogenic. Review status: criteria provided, multiple submitters, no conflicts (2 of 4 stars). 2 submissions from 2 submitters: Pathogenic (1); Likely pathogenic (1). Last evaluated 2025-03-06.

Conditions:
Wolcott-Rallison dysplasia. Also called: Wolcott-Rallison syndrome; MED-IDDM SYNDROME. Identifiers: Orphanet 1667, MedGen C0432217, MONDO:0009192, OMIM 226980.

Submissions (2):

Labcorp Genetics (formerly Invitae), Labcorp
Classification: Pathogenic. Last evaluated: 2025-03-06. Review status: criteria provided, single submitter. Criteria: Invitae Variant Classification Sherloc (09022015). Collection method: clinical testing. Allele origin: germline.
Comment: This sequence change creates a premature translational stop signal (p.Ala527Cysfs*30) in the EIF2AK3 gene. It is expected to result in an absent or disrupted protein product. Loss-of-function variants in EIF2AK3 are known to be pathogenic (PMID: 11997520). This variant is not present in population databases (gnomAD no frequency). This variant has not been reported in the literature in individuals affected with EIF2AK3-related conditions. ClinVar contains an entry for this variant (Variation ID: 2675013). For these reasons, this variant has been classified as Pathogenic.

Baylor Genetics
Classification: Likely pathogenic for Wolcott-Rallison dysplasia. Last evaluated: 2023-06-10. Review status: criteria provided, single submitter. Criteria: ACMG Guidelines, 2015. Collection method: clinical testing. Allele origin: unknown.

Literature cited by the submitters: PubMed 11997520 (cited by Labcorp Genetics (formerly Invitae), Labcorp).